The following is an entry in ClinVar:

NM_032043.3(BRIP1):c.944G>T (p.Gly315Val)

Gene: BRIP1 (BRCA1 interacting DNA helicase 1; minus strand). Cytogenetic location: 17q23.2.
Variant type: single nucleotide variant.
Coding change: c.944G>T on transcript NM_032043.3 (MANE Select); coding-DNA position 944, G replaced by T.
Protein change: p.Gly315Val; replaces glycine 315 with valine.
Molecular consequence: missense variant.
Genome position (GRCh38, 1-based): chr17:61,801,449, C>A on the plus strand (G>T on the coding strand, the complement: BRIP1 is on the minus strand). VCF-style: chr17-61801449-C-A. GRCh37 (hg19) VCF-style: chr17-59878810-C-A.
Other names: short protein forms G315V.
Identifiers: ClinVar variation 630544 (VCV000630544.7), dbSNP rs867548960, ClinGen allele CA400484270.

ClinVar aggregate classification (germline): Uncertain significance. Review status: criteria provided, multiple submitters, no conflicts (2 of 4 stars). 3 submissions from 3 submitters: Uncertain significance (3). Last evaluated 2026-03-13.

Conditions:
Hereditary cancer-predisposing syndrome. Also called: Neoplastic Syndromes, Hereditary; Hereditary neoplastic syndrome; Tumor predisposition; Hereditary Cancer Syndrome. Identifiers: Orphanet 140162, MedGen C0027672, MeSH D009386, MONDO:0015356.
Fanconi anemia complementation group J. Also called: BRIP1-Related Fanconi Anemia. Identifiers: Orphanet 84, MedGen C1836860, MONDO:0012187, OMIM 609054.
Familial cancer of breast. Also called: Hereditary breast cancer; BREAST CANCER, FAMILIAL; hereditary breast carcinoma. Identifiers: Orphanet 227535, MedGen C0346153, MONDO:0016419, OMIM 114480. Disease mechanism: loss of function.

Allele frequency attached by ClinVar (database versions not stated): gnomAD exomes below 0.00001.
gnomAD v4.1: 1 of 1,612,944 alleles (0.000062%); highest among the groups gnomAD compares: South Asian, 0.0011%; no homozygotes.

Submissions (3):

Ambry Genetics
Classification: Uncertain significance for Hereditary cancer-predisposing syndrome. Last evaluated: 2026-03-13. Review status: criteria provided, single submitter. Criteria: Ambry Variant Classification Scheme 2023. Collection method: clinical testing. Allele origin: germline.
Comment: The p.G315V variant (also known as c.944G>T), located in coding exon 7 of the BRIP1 gene, results from a G to T substitution at nucleotide position 944. The glycine at codon 315 is replaced by valine, an amino acid with dissimilar properties. This amino acid position is highly conserved in available vertebrate species. In addition, the in silico prediction for this alteration is inconclusive. Based on the available evidence, the clinical significance of this variant remains unclear.

Labcorp Genetics (formerly Invitae), Labcorp
Classification: Uncertain significance for Familial cancer of breast; Fanconi anemia complementation group J. Last evaluated: 2024-12-02. Review status: criteria provided, single submitter. Criteria: Invitae Variant Classification Sherloc (09022015). Collection method: clinical testing. Allele origin: germline.
Comment: This sequence change replaces glycine, which is neutral and non-polar, with valine, which is neutral and non-polar, at codon 315 of the BRIP1 protein (p.Gly315Val). This variant is not present in population databases (gnomAD no frequency). This variant has not been reported in the literature in individuals affected with BRIP1-related conditions. ClinVar contains an entry for this variant (Variation ID: 630544). Invitae Evidence Modeling of protein sequence and biophysical properties (such as structural, functional, and spatial information, amino acid conservation, physicochemical variation, residue mobility, and thermodynamic stability) indicates that this missense variant is expected to disrupt BRIP1 protein function with a positive predictive value of 95%. Algorithms developed to predict the effect of sequence changes on RNA splicing suggest that this variant may disrupt the consensus splice site. In summary, the available evidence is currently insufficient to determine the role of this variant in disease. Therefore, it has been classified as a Variant of Uncertain Significance.

Color Diagnostics, LLC DBA Color Health
Classification: Uncertain significance for Hereditary cancer-predisposing syndrome. Last evaluated: 2018-12-10. Review status: criteria provided, single submitter. Criteria: ACMG Guidelines, 2015. Collection method: clinical testing. Allele origin: germline.